The following is an entry in ClinVar:

NM_001723.7(DST):c.3751A>G (p.Thr1251Ala)

Gene: DST (dystonin; minus strand). Cytogenetic location: 6p12.1.
Variant type: single nucleotide variant.
Coding change: c.3751A>G on transcript NM_001723.7 (MANE Plus Clinical); coding-DNA position 3751, A replaced by G.
Protein change: p.Thr1251Ala; replaces threonine 1251 with alanine.
Molecular consequence: missense variant. On other transcripts: intron variant (10).
Genome position (GRCh38, 1-based): chr6:56,620,283, T>C on the plus strand (A>G on the coding strand, the complement: DST is on the minus strand). VCF-style: chr6-56620283-T-C. GRCh37 (hg19) VCF-style: chr6-56485081-T-C.
Other names: c.4830+4247A>G (NM_001144769.5); c.4929+4247A>G (NM_001374722.1, NM_001374736.1); c.4296+4247A>G (NM_183380.4, NM_001374729.1, NM_001374730.1 and 1 more transcripts); c.3318+4247A>G (NM_015548.5); c.4956+4247A>G (NM_001374734.1); c.4416+4247A>G (NM_001144770.2); short protein forms T1251A.
Identifiers: ClinVar variation 961298 (VCV000961298.10), dbSNP rs970996412, ClinGen allele CA139209865.

ClinVar aggregate classification (germline): Uncertain significance (1 of 4 stars; one submission).

Conditions:
Epidermolysis bullosa simplex 3, localized or generalized intermediate, with BP230 deficiency (EBS3). Also called: Epidermolysis bullosa simplex, autosomal recessive 2; Epidermolysis bullosa simplex due to BP230 deficiency. Identifiers: Orphanet 412181, MedGen C3809470, MONDO:0014180, OMIM 615425.
Hereditary sensory and autonomic neuropathy type 6. Also called: Neuropathy, hereditary sensory and autonomic, type VI; HSAN VI. Identifiers: Orphanet 314381, MedGen C3539003, MONDO:0013839, OMIM 614653.

Allele frequency attached by ClinVar (database versions not stated): gnomAD 0.00001; TOPMed 0.00001.
gnomAD v4.1: 1 of 1,614,064 alleles (0.000062%); highest among the groups gnomAD compares: Non-Finnish European, 0.000085%; no homozygotes.

Submission:

Labcorp Genetics (formerly Invitae), Labcorp
Classification: Uncertain significance for Epidermolysis bullosa simplex 3, localized or generalized intermediate, with BP230 deficiency; Hereditary sensory and autonomic neuropathy type 6. Last evaluated: 2019-10-15. Review status: criteria provided, single submitter. Criteria: Invitae Variant Classification Sherloc (09022015). Collection method: clinical testing. Allele origin: germline.
Comment: In summary, the available evidence is currently insufficient to determine the role of this variant in disease. Therefore, it has been classified as a Variant of Uncertain Significance. Algorithms developed to predict the effect of missense changes on protein structure and function (SIFT, PolyPhen-2, Align-GVGD) all suggest that this variant is likely to be tolerated, but these predictions have not been confirmed by published functional studies and their clinical significance is uncertain. This variant has not been reported in the literature in individuals with DST-related conditions. This variant is not present in population databases (ExAC no frequency). This sequence change replaces threonine with alanine at codon 1251 of the DST protein (p.Thr1251Ala). The threonine residue is weakly conserved and there is a small physicochemical difference between threonine and alanine.